The following is an entry in ClinVar:

NM_002633.3(PGM1):c.167_184dup (p.Gly61_Asp62insAlaLeuValValGlyGly)

Genes: PGM1 (phosphoglucomutase 1; plus strand), LOC129930668 (ATAC-STARR-seq lymphoblastoid active region 1127; plus strand). Cytogenetic location: 1p31.3.
Variant type: Duplication.
Coding change: c.167_184dup on transcript NM_002633.3 (MANE Select); coding-DNA positions 167 to 184, 18 bases duplicated (CGCTGGTGGTGGGCGGGG).
Protein change: p.Gly61_Asp62insAlaLeuValValGlyGly.
Molecular consequence: inframe insertion.
Genome position (GRCh38, 1-based): chr1:63,593,655-63,593,672, CGCTGGTGGTGGGCGGGG duplicated. VCF-style (leftmost placement, unchanged base first): chr1-63593654-A-ACGCTGGTGGTGGGCGGGG. GRCh37 (hg19) VCF-style: chr1-64059325-A-ACGCTGGTGGTGGGCGGGG.
Identifiers: ClinVar variation 5018047 (VCV005018047.1).

ClinVar aggregate classification (germline): Uncertain significance (1 of 4 stars; one submission).

Submission:

GeneDx
Classification: Uncertain significance. Last evaluated: 2026-04-04. Review status: criteria provided, single submitter. Criteria: GeneDx Variant Classification Process June 2021. Collection method: clinical testing. Allele origin: germline.
Comment: Not observed at significant frequency in large population cohorts (gnomAD); In-frame insertion of 6 amino acid(s) in a non-repeat region; Has not been previously published as pathogenic or benign to our knowledge